The following is an entry in ClinVar:

ClinVar aggregate classification (germline): Uncertain significance (1 of 4 stars; one submission).

Submission:

GeneDx
Classification: Uncertain significance. Last evaluated: 2019-08-07. Review status: criteria provided, single submitter. Criteria: GeneDx Variant Classification Process June 2021. Collection method: clinical testing. Allele origin: germline. Affected: yes.
Comment: Not observed in large population cohorts (Lek et al., 2016); In silico analysis, which includes protein predictors and evolutionary conservation, supports that this variant does not alter protein structure/function; Has not been previously published as pathogenic or benign to our knowledge

NM_000489.6(ATRX):c.2557G>A (p.Glu853Lys)

Gene: ATRX (ATRX chromatin remodeler; minus strand). Cytogenetic location: Xq21.1.
Variant type: single nucleotide variant.
Coding change: c.2557G>A on transcript NM_000489.6 (MANE Select); coding-DNA position 2557, G replaced by A.
Protein change: p.Glu853Lys; replaces glutamic acid 853 with lysine.
Molecular consequence: missense variant.
Genome position (GRCh38, 1-based): chrX:77,682,699, C>T on the plus strand (G>A on the coding strand, the complement: ATRX is on the minus strand). VCF-style: chrX-77682699-C-T. GRCh37 (hg19) VCF-style: chrX-76938191-C-T.
Other names: c.2443G>A, p.Glu815Lys (NM_138270.5); short protein forms E815K, E853K.
Identifiers: ClinVar variation 1318792 (VCV001318792.2), dbSNP rs2148594511, ClinGen allele CA413711755.
Genomic context (GRCh38, chrX:77,682,699, plus strand): 5'-CTTGTGAGGTCTTCAAATTTTTGTGCCCTTGATTATCCATTCCTTTTTTGCTGTGTTTCT[C>T]ATCTTCAGAAGAGTCAAAATCTTTTGTATTTGGAATTCTTTTTTTGGTGGTTCTGGCAGC-3'
Protein context (NP_000480.3, residues 843-863): NTKDFDSSED[Glu853Lys]KHSKKGMDNQ